The following is an entry in ClinVar:

NM_001291303.3(FAT4):c.3368G>T (p.Ser1123Ile)

Gene: FAT4 (FAT atypical cadherin 4; plus strand). Cytogenetic location: 4q28.1.
Variant type: single nucleotide variant.
Coding change: c.3368G>T on transcript NM_001291303.3 (MANE Select); coding-DNA position 3368, G replaced by T.
Protein change: p.Ser1123Ile; replaces serine 1123 with isoleucine.
Molecular consequence: missense variant.
Genome position (GRCh38, 1-based): chr4:125,319,779, G>T. VCF-style: chr4-125319779-G-T. GRCh37 (hg19) VCF-style: chr4-126240934-G-T.
Other names: c.3368G>T, p.Ser1123Ile (NM_001291285.3, NM_024582.6); short protein forms S1123I.
Identifiers: ClinVar variation 1896301 (VCV001896301.5), dbSNP rs370521218, ClinGen allele CA3072300.

ClinVar aggregate classification (germline): Uncertain significance (1 of 4 stars; one submission).

Allele frequency attached by ClinVar (database versions not stated): ExAC 0.00002; TOPMed 0.00003; gnomAD 0.00006; ESP Exome Variant Server 0.00008.
gnomAD v4.1: 12 of 1,614,104 alleles (0.00074%); highest among the groups gnomAD compares: African/African-American, 0.016%; no homozygotes.

Submission:

Labcorp Genetics (formerly Invitae), Labcorp
Classification: Uncertain significance. Last evaluated: 2025-10-18. Review status: criteria provided, single submitter. Criteria: Invitae Variant Classification Sherloc (09022015). Collection method: clinical testing. Allele origin: germline.
Comment: This sequence change replaces serine, which is neutral and polar, with isoleucine, which is neutral and non-polar, at codon 1123 of the FAT4 protein (p.Ser1123Ile). This variant is present in population databases (rs370521218, gnomAD 0.01%). This variant has not been reported in the literature in individuals affected with FAT4-related conditions. ClinVar contains an entry for this variant (Variation ID: 1896301). Invitae Evidence Modeling of protein sequence and biophysical properties (such as structural, functional, and spatial information, amino acid conservation, physicochemical variation, residue mobility, and thermodynamic stability) indicates that this missense variant is not expected to disrupt FAT4 protein function with a negative predictive value of 80%. In summary, the available evidence is currently insufficient to determine the role of this variant in disease. Therefore, it has been classified as a Variant of Uncertain Significance.